The following is an entry in ClinVar:

NM_000321.3(RB1):c.2030A>G (p.Glu677Gly)

Gene: RB1 (RB transcriptional corepressor 1; plus strand). Cytogenetic location: 13q14.2.
Variant type: single nucleotide variant.
Coding change: c.2030A>G on transcript NM_000321.3 (MANE Select); coding-DNA position 2030, A replaced by G.
Protein change: p.Glu677Gly; replaces glutamic acid 677 with glycine.
Molecular consequence: missense variant.
Genome position (GRCh38, 1-based): chr13:48,459,757, A>G. VCF-style: chr13-48459757-A-G. GRCh37 (hg19) VCF-style: chr13-49033893-A-G.
Other names: short protein forms E677G.
Identifiers: ClinVar variation 1022477 (VCV001022477.8), dbSNP rs1949384321, ClinGen allele CA388166800.

ClinVar aggregate classification (germline): Uncertain significance (1 of 4 stars; one submission).

Conditions:
Retinoblastoma (RB1). Also called: RETINOBLASTOMA, SOMATIC. Identifiers: Orphanet 790, MedGen C0035335, MeSH D012175, MONDO:0008380, OMIM 180200, HP:0009919. Disease mechanism: loss of function. Inheritance: Both sporadic and heritable forms are tested..

Submission:

Labcorp Genetics (formerly Invitae), Labcorp
Classification: Uncertain significance for Retinoblastoma. Last evaluated: 2020-07-07. Review status: criteria provided, single submitter. Criteria: Invitae Variant Classification Sherloc (09022015). Collection method: clinical testing. Allele origin: germline.
Comment: In summary, the available evidence is currently insufficient to determine the role of this variant in disease. Therefore, it has been classified as a Variant of Uncertain Significance. Algorithms developed to predict the effect of missense changes on protein structure and function (SIFT, PolyPhen-2, Align-GVGD) all suggest that this variant is likely to be disruptive, but these predictions have not been confirmed by published functional studies and their clinical significance is uncertain. This variant has not been reported in the literature in individuals with RB1-related conditions. This variant is not present in population databases (ExAC no frequency). This sequence change replaces glutamic acid with glycine at codon 677 of the RB1 protein (p.Glu677Gly). The glutamic acid residue is highly conserved and there is a moderate physicochemical difference between glutamic acid and glycine.